The following is an entry in ClinVar:

NM_024496.4(IRF2BPL):c.1288G>T (p.Val430Leu)

Gene: IRF2BPL (interferon regulatory factor 2 binding protein like; minus strand). Cytogenetic location: 14q24.3.
Variant type: single nucleotide variant.
Coding change: c.1288G>T on transcript NM_024496.4 (MANE Select); coding-DNA position 1288, G replaced by T.
Protein change: p.Val430Leu; replaces valine 430 with leucine.
Molecular consequence: missense variant.
Genome position (GRCh38, 1-based): chr14:77,026,505, C>A on the plus strand (G>T on the coding strand, the complement: IRF2BPL is on the minus strand). VCF-style: chr14-77026505-C-A. GRCh37 (hg19) VCF-style: chr14-77492848-C-A.
Other names: short protein forms V430L.
Identifiers: ClinVar variation 3572656 (VCV003572656.2).

ClinVar aggregate classification (germline): Uncertain significance (1 of 4 stars; one submission).

Submission:

GeneDx
Classification: Uncertain significance. Last evaluated: 2025-02-25. Review status: criteria provided, single submitter. Criteria: GeneDx Variant Classification Process June 2021. Collection method: clinical testing. Allele origin: germline.
Comment: Not observed at significant frequency in large population cohorts (gnomAD); In silico analysis indicates that this missense variant does not alter protein structure/function; Has not been previously published as pathogenic or benign to our knowledge